The following is an entry in ClinVar:

NM_002615.7(SERPINF1):c.279G>T (p.Ser93=)

Genes: SERPINF1 (serpin family F member 1; plus strand), LOC130059892 (ATAC-STARR-seq lymphoblastoid active region 11457; plus strand). Cytogenetic location: 17p13.3.
Variant type: single nucleotide variant.
Coding change: c.279G>T on transcript NM_002615.7 (MANE Select); coding-DNA position 279, G replaced by T.
Protein change: p.Ser93=; no amino-acid change (serine 93 retained).
Molecular consequence: synonymous variant. On other transcripts: 5 prime UTR variant (1).
Genome position (GRCh38, 1-based): chr17:1,770,046, G>T. VCF-style: chr17-1770046-G-T. GRCh37 (hg19) VCF-style: chr17-1673340-G-T.
Other names: c.279G>T, p.Ser93= (NM_001329903.2); c.-283G>T (NM_001329904.2).
Identifiers: ClinVar variation 513156 (VCV000513156.13), dbSNP rs147257649, ClinGen allele CA8274592.

ClinVar aggregate classification (germline): Benign/Likely benign. Review status: criteria provided, multiple submitters, no conflicts (2 of 4 stars). 4 submissions from 4 submitters: Benign (1); Likely benign (2). 1 of the submissions does not count toward it. Last evaluated 2025-12-31.

Conditions:
SERPINF1-related disorder. Also called: SERPINF1-related condition.

Allele frequency attached by ClinVar (database versions not stated): ESP Exome Variant Server 0.00085; TOPMed 0.00121; 1000 Genomes Project 0.00140; 1000 Genomes Project 30x 0.00141.
gnomAD v4.1: 334 of 1,614,078 alleles (0.021%); highest among the groups gnomAD compares: African/African-American, 0.41%; 1 homozygote.

Submissions (4):

Labcorp Genetics (formerly Invitae), Labcorp
Classification: Benign. Last evaluated: 2025-12-31. Review status: criteria provided, single submitter. Criteria: Invitae Variant Classification Sherloc (09022015). Collection method: clinical testing. Allele origin: germline.

GeneDx
Classification: Likely benign. Last evaluated: 2017-11-08. Review status: criteria provided, single submitter. Criteria: GeneDx Variant Classification (06012015). Collection method: clinical testing. Allele origin: germline. Affected: yes.
Comment: This variant is considered likely benign or benign based on one or more of the following criteria: it is a conservative change, it occurs at a poorly conserved position in the protein, it is predicted to be benign by multiple in silico algorithms, and/or has population frequency not consistent with disease.

Breakthrough Genomics
Classification: Likely benign. Review status: criteria provided, single submitter. Criteria: ACMG Guidelines, 2015. Collection method: not provided. Allele origin: germline. Inheritance: Autosomal recessive inheritance. Affected: yes.

PreventionGenetics, part of Exact Sciences
Classification: Likely benign for SERPINF1-related condition. Last evaluated: 2019-11-21. Review status: no assertion criteria provided. Collection method: clinical testing. Allele origin: germline. Not counted in ClinVar's aggregate classification.
Comment: This variant is classified as likely benign based on ACMG/AMP sequence variant interpretation guidelines (Richards et al. 2015 PMID: 25741868, with internal and published modifications).